The following is an entry in ClinVar:

NM_001042517.2(DIAPH3):c.2818C>T (p.Pro940Ser)

Gene: DIAPH3 (diaphanous related formin 3; minus strand). Cytogenetic location: 13q21.2.
Variant type: single nucleotide variant.
Coding change: c.2818C>T on transcript NM_001042517.2 (MANE Select); coding-DNA position 2818, C replaced by T.
Protein change: p.Pro940Ser; replaces proline 940 with serine.
Molecular consequence: missense variant.
Genome position (GRCh38, 1-based): chr13:59,839,368, G>A on the plus strand (C>T on the coding strand, the complement: DIAPH3 is on the minus strand). VCF-style: chr13-59839368-G-A. GRCh37 (hg19) VCF-style: chr13-60413502-G-A.
Other names: c.2608C>T, p.Pro870Ser (NM_001258368.2); c.2818C>T, p.Pro940Ser (NM_001258369.2); c.2029C>T, p.Pro677Ser (NM_030932.4); c.2680C>T, p.Pro894Ser (NM_001258367.2); c.2818C>T (NM_001042517.1); c.2785C>T, p.Pro929Ser (NM_001258366.2); short protein forms P677S, P929S, P940S, P894S, P870S.
Identifiers: ClinVar variation 3020247 (VCV003020247.4), dbSNP rs201024887, ClinGen allele CA6996275.

ClinVar aggregate classification (germline): Uncertain significance. Review status: criteria provided, multiple submitters, no conflicts (2 of 4 stars). 2 submissions from 2 submitters: Uncertain significance (2). Last evaluated 2026-08-11.

Conditions:
DIAPH3-related disorder. Also called: DIAPH3-related condition.

Allele frequency attached by ClinVar (database versions not stated): gnomAD 0.00002; TOPMed 0.00002; ExAC 0.00005.
gnomAD v4.1: 54 of 1,613,582 alleles (0.0033%); highest among the groups gnomAD compares: Non-Finnish European, 0.0045%; no homozygotes.

Submissions (2):

PreventionGenetics, part of Exact Sciences
Classification: Uncertain significance for DIAPH3-related condition. Last evaluated: 2026-08-11. Review status: criteria provided, single submitter. Criteria: ACMG Guidelines, 2015. Collection method: clinical testing. Allele origin: germline.
Comment: The DIAPH3 c.2818C>T variant is predicted to result in the amino acid substitution p.Pro940Ser. To our knowledge, this variant has not been reported in the literature. This variant is reported in 0.0070% of alleles in individuals of European (Non-Finnish) descent in gnomAD. At this time, the clinical significance of this variant is uncertain due to the absence of conclusive functional and genetic evidence.

Labcorp Genetics (formerly Invitae), Labcorp
Classification: Uncertain significance. Last evaluated: 2024-05-01. Review status: criteria provided, single submitter. Criteria: Invitae Variant Classification Sherloc (09022015). Collection method: clinical testing. Allele origin: germline.
Comment: This sequence change replaces proline, which is neutral and non-polar, with serine, which is neutral and polar, at codon 940 of the DIAPH3 protein (p.Pro940Ser). This variant is present in population databases (rs201024887, gnomAD 0.006%). This variant has not been reported in the literature in individuals affected with DIAPH3-related conditions. An algorithm developed to predict the effect of missense changes on protein structure and function (PolyPhen-2) suggests that this variant is likely to be tolerated. In summary, the available evidence is currently insufficient to determine the role of this variant in disease. Therefore, it has been classified as a Variant of Uncertain Significance.